The following is an entry in ClinVar:

NM_024642.5(GALNT12):c.274C>A (p.Arg92=)

Gene: GALNT12 (polypeptide N-acetylgalactosaminyltransferase 12; plus strand). Cytogenetic location: 9q22.33.
Variant type: single nucleotide variant.
Coding change: c.274C>A on transcript NM_024642.5 (MANE Select); coding-DNA position 274, C replaced by A.
Protein change: p.Arg92=; no amino-acid change (arginine 92 retained).
Molecular consequence: synonymous variant.
Genome position (GRCh38, 1-based): chr9:98,807,972, C>A. VCF-style: chr9-98807972-C-A. GRCh37 (hg19) VCF-style: chr9-101570254-C-A.
Identifiers: ClinVar variation 4876124 (VCV004876124.1).

ClinVar aggregate classification (germline): Benign (1 of 4 stars; one submission).

Conditions:
Colorectal cancer, susceptibility to, 1. Also called: COLORECTAL ADENOMA AND CANCER, SUSCEPTIBILITY TO; COLORECTAL CANCER, SUSCEPTIBILITY TO, ON CHROMOSOME 9. Identifiers: MedGen C1837315, MONDO:0012132, OMIM 608812.

Submission:

Myriad Genetics, Inc.
Classification: Benign for Colorectal cancer, susceptibility to, 1. Last evaluated: 2026-04-23. Review status: criteria provided, single submitter. Criteria: Myriad Autosomal Dominant, Autosomal Recessive and X-Linked Classification Criteria (2023). Collection method: clinical testing. Allele origin: unknown.
Comment: This variant is considered benign. This variant is a silent/synonymous amino acid change and it is not expected to impact splicing.